The following is an entry in ClinVar:

ClinVar aggregate classification (germline): Conflicting classifications of pathogenicity. Review status: criteria provided, conflicting classifications (1 of 4 stars). 2 submissions from 2 submitters: Uncertain significance (1); Benign (1). Last evaluated 2026-01-01.

Conditions:
Primary ciliary dyskinesia. Also called: Ciliary dyskinesia. Identifiers: Orphanet 244, MedGen C0008780, MONDO:0016575, HP:0012265.

Allele frequency attached by ClinVar (database versions not stated): gnomAD 0.00002 and 0.00003; gnomAD exomes 0.00002; TOPMed 0.00002; ExAC 0.00003.
gnomAD v4.1: 32 of 1,613,552 alleles (0.002%); highest among the groups gnomAD compares: Non-Finnish European, 0.0025%; no homozygotes.

Submissions (2):

CeGaT Center for Human Genetics Tuebingen
Classification: Uncertain significance. Last evaluated: 2026-01-01. Review status: criteria provided, single submitter. Criteria: CeGaT Center For Human Genetics Tuebingen Variant Classification Criteria Version 2. Collection method: clinical testing. Allele origin: germline. Affected: yes. Observed: 1 variant allele.
Comment: DNAH11: PM2, BP4

Labcorp Genetics (formerly Invitae), Labcorp
Classification: Benign for Primary ciliary dyskinesia. Last evaluated: 2024-07-08. Review status: criteria provided, single submitter. Criteria: Invitae Variant Classification Sherloc (09022015). Collection method: clinical testing. Allele origin: germline.

NM_001277115.2(DNAH11):c.8270A>T (p.Asp2757Val)

Gene: DNAH11 (dynein axonemal heavy chain 11; plus strand). Cytogenetic location: 7p15.3.
Variant type: single nucleotide variant.
Coding change: c.8270A>T on transcript NM_001277115.2 (MANE Select); coding-DNA position 8270, A replaced by T.
Protein change: p.Asp2757Val; replaces aspartic acid 2757 with valine.
Molecular consequence: missense variant.
Genome position (GRCh38, 1-based): chr7:21,744,553, A>T. VCF-style: chr7-21744553-A-T. GRCh37 (hg19) VCF-style: chr7-21784171-A-T.
Other names: short protein forms D2757V.
Identifiers: ClinVar variation 454714 (VCV000454714.16), dbSNP rs760372952, ClinGen allele CA4181529.